The following is an entry in ClinVar:

ClinVar aggregate classification (germline): Pathogenic (1 of 4 stars; one submission).

Submission:

GeneDx
Classification: Pathogenic. Last evaluated: 2016-05-06. Review status: criteria provided, single submitter. Criteria: GeneDx Variant Classification (06012015). Collection method: clinical testing. Allele origin: germline. Affected: yes.
Comment: The c.1860+2delT pathogenic variant in the EFTUD2 gene has not been reported previously as a pathogenic variant nor as a benign variant, to our knowledge. This splice site variant destroys the canonical splice donor site in intron 18. It is predicted to cause abnormal gene splicing, either leading to an abnormal message that is subject to nonsense-mediated mRNA decay, or to an abnormal protein product if the message is used for protein translation. The c.1860+2delT variant was not observed in approximately 6500 individuals of European and African American ancestry in the NHLBI Exome Sequencing Project, indicating it is not a common benign variant in these populations. We interpret c.1860+2delT as a pathogenic variant.

NM_004247.4(EFTUD2):c.1860+2del

Gene: EFTUD2 (elongation factor Tu GTP binding domain containing 2; minus strand). Cytogenetic location: 17q21.31.
Variant type: Deletion.
Coding change: c.1860+2del on transcript NM_004247.4 (MANE Select); the canonical splice donor site of the intron after coding-DNA position 1860, one base deleted (T; older notation c.1860+2delT).
Molecular consequence: splice donor variant.
Genome position (GRCh38, 1-based): chr17:44,859,903, A deleted on the plus strand (T on the coding strand, the reverse complement: EFTUD2 is on the minus strand). VCF-style (leftmost placement, unchanged base first): chr17-44859902-TA-T. GRCh37 (hg19) VCF-style: chr17-42937270-TA-T.
Other names: c.1755+2del (NM_001142605.2); c.1830+2del (NM_001258354.2); c.1860+2del (NM_001258353.2).
Identifiers: ClinVar variation 265311 (VCV000265311.2), dbSNP rs886039467, ClinGen allele CA10588659.